The following is an entry in ClinVar:

ClinVar aggregate classification (germline): Benign (1 of 4 stars; one submission).

gnomAD v4.1: 19,110 of 1,614,056 alleles (1.2%); highest among the groups gnomAD compares: Non-Finnish European, 1.4%; 147 homozygotes.

Submission:

CeGaT Center for Human Genetics Tuebingen
Classification: Benign. Last evaluated: 2025-03-01. Review status: criteria provided, single submitter. Criteria: CeGaT Center For Human Genetics Tuebingen Variant Classification Criteria Version 2. Collection method: clinical testing. Allele origin: germline. Affected: yes. Observed: 1 variant allele.
Comment: OR2AG2: BP4, BP7, BS1, BS2

NM_001004490.2(OR2AG2):c.885G>A (p.Lys295=)

Gene: OR2AG2 (olfactory receptor family 2 subfamily AG member 2; minus strand). Cytogenetic location: 11p15.4.
Variant type: single nucleotide variant.
Coding change: c.885G>A on transcript NM_001004490.2 (MANE Select); coding-DNA position 885, G replaced by A.
Protein change: p.Lys295=; no amino-acid change (lysine 295 retained).
Molecular consequence: synonymous variant.
Genome position (GRCh38, 1-based): chr11:6,768,073, C>T on the plus strand (G>A on the coding strand, the complement: OR2AG2 is on the minus strand). VCF-style: chr11-6768073-C-T. GRCh37 (hg19) VCF-style: chr11-6789304-C-T.
Other names: c.885G>A, p.Lys295= (NM_001386053.1).
Identifiers: ClinVar variation 3777853 (VCV003777853.7).